The following is an entry in ClinVar:

ClinVar aggregate classification (germline): Uncertain significance. Review status: criteria provided, multiple submitters, no conflicts (2 of 4 stars). 2 submissions from 2 submitters: Uncertain significance (2). Last evaluated 2025-12-29.

Conditions:
Familial melanoma. Also called: Hereditary melanoma; Hereditary cutaneous melanoma. Identifiers: Orphanet 618, MedGen C1512419, MONDO:0018961.
Hereditary cancer-predisposing syndrome. Also called: Neoplastic Syndromes, Hereditary; Tumor predisposition; Hereditary Cancer Syndrome; Hereditary neoplastic syndrome. Identifiers: Orphanet 140162, MedGen C0027672, MeSH D009386, MONDO:0015356.

Allele frequency attached by ClinVar (database versions not stated): gnomAD exomes below 0.00001; TOPMed 0.00001.
gnomAD v4.1: 3 of 1,614,048 alleles (0.00019%); highest among the groups gnomAD compares: Non-Finnish European, 0.00025%; no homozygotes.

Submissions (2):

Ambry Genetics
Classification: Uncertain significance for Hereditary cancer-predisposing syndrome. Last evaluated: 2025-12-29. Review status: criteria provided, single submitter. Criteria: Ambry Variant Classification Scheme 2023. Collection method: clinical testing. Allele origin: germline.
Comment: The p.E266K variant (also known as c.796G>A), located in coding exon 6 of the CDK4 gene, results from a G to A substitution at nucleotide position 796. The glutamic acid at codon 266 is replaced by lysine, an amino acid with similar properties. This amino acid position is well conserved in available vertebrate species. In addition, this alteration is predicted to be tolerated by in silico analysis. Based on the available evidence, the clinical significance of this variant remains unclear.

Labcorp Genetics (formerly Invitae), Labcorp
Classification: Uncertain significance for Familial melanoma. Last evaluated: 2025-11-17. Review status: criteria provided, single submitter. Criteria: Invitae Variant Classification Sherloc (09022015). Collection method: clinical testing. Allele origin: germline.
Comment: This sequence change replaces glutamic acid, which is acidic and polar, with lysine, which is basic and polar, at codon 266 of the CDK4 protein (p.Glu266Lys). This variant is not present in population databases (gnomAD no frequency). This variant has not been reported in the literature in individuals affected with CDK4-related conditions. ClinVar contains an entry for this variant (Variation ID: 3010503). Invitae Evidence Modeling of protein sequence and biophysical properties (such as structural, functional, and spatial information, amino acid conservation, physicochemical variation, residue mobility, and thermodynamic stability) indicates that this missense variant is not expected to disrupt CDK4 protein function with a negative predictive value of 95%. In summary, the available evidence is currently insufficient to determine the role of this variant in disease. Therefore, it has been classified as a Variant of Uncertain Significance.

NM_000075.4(CDK4):c.796G>A (p.Glu266Lys)

Genes: CDK4 (cyclin dependent kinase 4; minus strand), TSPAN31 (tetraspanin 31; plus strand). Cytogenetic location: 12q14.1.
Variant type: single nucleotide variant.
Coding change: c.796G>A on transcript NM_000075.4 (MANE Select); coding-DNA position 796, G replaced by A.
Protein change: p.Glu266Lys; replaces glutamic acid 266 with lysine.
Molecular consequence: missense variant. On other transcripts: 3 prime UTR variant (3).
Genome position (GRCh38, 1-based): chr12:57,749,205, C>T on the plus strand (G>A on the coding strand, the complement: CDK4 is on the minus strand). VCF-style: chr12-57749205-C-T. GRCh37 (hg19) VCF-style: chr12-58142988-C-T.
Other names: c.*1915C>T (NM_001330168.2, NM_001330169.2, NM_005981.5); c.796G>A (NM_000075.3); short protein forms E266K.
Identifiers: ClinVar variation 3010503 (VCV003010503.4), dbSNP rs1193086731, ClinGen allele CA385543045.